The following is an entry in ClinVar:

ClinVar aggregate classification (germline): Benign. Review status: criteria provided, multiple submitters, no conflicts (2 of 4 stars). 6 submissions from 6 submitters: Benign (5). 1 of the submissions does not count toward it. Last evaluated 2026-02-03.

Conditions:
Spinocerebellar ataxia type 26 (SCA26). Identifiers: Orphanet 101112, MedGen C1836395, MONDO:0012246, OMIM 609306.

Allele frequency attached by ClinVar (database versions not stated): gnomAD exomes 0.84682 and 0.81678; gnomAD 0.86195 and 0.86134; 1000 Genomes Project 0.91314; ESP Exome Variant Server 0.85353; TOPMed 0.86983; ExAC 0.84927; 1000 Genomes Project 30x 0.91302.
gnomAD v4.1: 1,325,402 of 1,613,470 alleles (82%); highest among the groups gnomAD compares: East Asian, 99%; 546,462 homozygotes.

Submissions (6):

Labcorp Genetics (formerly Invitae), Labcorp
Classification: Benign. Last evaluated: 2026-02-03. Review status: criteria provided, single submitter. Criteria: Invitae Variant Classification Sherloc (09022015). Collection method: clinical testing. Allele origin: germline.

Genome-Nilou Lab
Classification: Benign for Spinocerebellar ataxia type 26. Last evaluated: 2021-07-30. Review status: criteria provided, single submitter. Criteria: ACMG Guidelines, 2015. Collection method: clinical testing. Allele origin: germline. Affected: no.

Athena Diagnostics
Classification: Benign. Last evaluated: 2019-07-15. Review status: criteria provided, single submitter. Criteria: Athena Diagnostics Criteria. Collection method: clinical testing. Allele origin: germline.

GeneDx
Classification: Benign. Last evaluated: 2018-09-10. Review status: criteria provided, single submitter. Criteria: GeneDx Variant Classification Process June 2021. Collection method: clinical testing. Allele origin: germline. Affected: yes.

Breakthrough Genomics
Classification: Benign. Review status: criteria provided, single submitter. Criteria: ACMG Guidelines, 2015. Collection method: not provided. Allele origin: germline. Inheritance: Autosomal dominant inheritance. Affected: yes.

Genetic Services Laboratory, University of Chicago
Classification: Likely benign for AllHighlyPenetrant. Review status: no assertion criteria provided. Collection method: clinical testing. Allele origin: germline. Inheritance: Autosomal dominant inheritance. Not counted in ClinVar's aggregate classification.
Comment: Likely benign based on allele frequency in 1000 Genomes Project or ESP global frequency and its presence in a patient with a rare or unrelated disease phenotype. NOT Sanger confirmed.

NM_001961.4(EEF2):c.1632T>C (p.His544=)

Gene: EEF2 (eukaryotic translation elongation factor 2; minus strand). Cytogenetic location: 19p13.3.
Variant type: single nucleotide variant.
Coding change: c.1632T>C on transcript NM_001961.4 (MANE Select); coding-DNA position 1632, T replaced by C.
Protein change: p.His544=; no amino-acid change (histidine 544 retained).
Molecular consequence: synonymous variant.
Genome position (GRCh38, 1-based): chr19:3,979,410, A>G on the plus strand (T>C on the coding strand, the complement: EEF2 is on the minus strand). VCF-style: chr19-3979410-A-G. GRCh37 (hg19) VCF-style: chr19-3979408-A-G.
Identifiers: ClinVar variation 128958 (VCV000128958.17), dbSNP rs36526, ClinGen allele CA214486.